The following is an entry in ClinVar:

ClinVar aggregate classification (germline): Uncertain significance. Review status: criteria provided, multiple submitters, no conflicts (2 of 4 stars). 4 submissions from 4 submitters: Uncertain significance (3). 1 of the submissions does not count toward it. Last evaluated 2025-12-25.

Conditions:
CENPF-related disorder. Also called: CENPF-related condition.
Inborn genetic diseases. Identifiers: MedGen C0950123, MeSH D030342.

Allele frequency attached by ClinVar (database versions not stated): gnomAD exomes 0.00012; ExAC 0.00015; gnomAD 0.00037 and 0.00040; ESP Exome Variant Server 0.00038; TOPMed 0.00050; 1000 Genomes Project 30x 0.00094; 1000 Genomes Project 0.00100.
gnomAD v4.1: 113 of 1,611,114 alleles (0.007%); highest among the groups gnomAD compares: African/African-American, 0.14%; no homozygotes.

Submissions (4):

Labcorp Genetics (formerly Invitae), Labcorp
Classification: Uncertain significance. Last evaluated: 2025-12-25. Review status: criteria provided, single submitter. Criteria: Invitae Variant Classification Sherloc (09022015). Collection method: clinical testing. Allele origin: germline.
Comment: This sequence change replaces glutamine, which is neutral and polar, with arginine, which is basic and polar, at codon 632 of the CENPF protein (p.Gln632Arg). This variant is present in population databases (rs140953760, gnomAD 0.2%). This variant has not been reported in the literature in individuals affected with CENPF-related conditions. ClinVar contains an entry for this variant (Variation ID: 1436128). An algorithm developed to predict the effect of missense changes on protein structure and function (PolyPhen-2) suggests that this variant is likely to be tolerated. In summary, the available evidence is currently insufficient to determine the role of this variant in disease. Therefore, it has been classified as a Variant of Uncertain Significance.

GeneDx
Classification: Uncertain significance. Last evaluated: 2024-05-23. Review status: criteria provided, single submitter. Criteria: GeneDx Variant Classification Process June 2021. Collection method: clinical testing. Allele origin: germline. Affected: yes.
Comment: In silico analysis indicates that this missense variant does not alter protein structure/function; Has not been previously published as pathogenic or benign to our knowledge

Ambry Genetics
Classification: Uncertain significance for Inborn genetic diseases. Last evaluated: 2021-08-02. Review status: criteria provided, single submitter. Criteria: Ambry Variant Classification Scheme 2023. Collection method: clinical testing. Allele origin: germline.

PreventionGenetics, part of Exact Sciences
Classification: Likely benign for CENPF-related condition. Last evaluated: 2024-05-01. Review status: no assertion criteria provided. Collection method: clinical testing. Allele origin: germline. Not counted in ClinVar's aggregate classification.
Comment: This variant is classified as likely benign based on ACMG/AMP sequence variant interpretation guidelines (Richards et al. 2015 PMID: 25741868, with internal and published modifications).

NM_016343.4(CENPF):c.1895A>G (p.Gln632Arg)

Gene: CENPF (centromere protein F; plus strand). Cytogenetic location: 1q41.
Variant type: single nucleotide variant.
Coding change: c.1895A>G on transcript NM_016343.4 (MANE Select); coding-DNA position 1895, A replaced by G.
Protein change: p.Gln632Arg; replaces glutamine 632 with arginine.
Molecular consequence: missense variant.
Genome position (GRCh38, 1-based): chr1:214,640,233, A>G. VCF-style: chr1-214640233-A-G. GRCh37 (hg19) VCF-style: chr1-214813576-A-G.
Other names: c.1895A>G (NM_016343.3); short protein forms Q632R.
Identifiers: ClinVar variation 1436128 (VCV001436128.11), dbSNP rs140953760, ClinGen allele CA1390177.